The following is an entry in ClinVar:

ClinVar aggregate classification (germline): Conflicting classifications of pathogenicity. Review status: criteria provided, conflicting classifications (1 of 4 stars). 2 submissions from 2 submitters: Pathogenic (1); Uncertain significance (1). Last evaluated 2026-01-28.

Conditions:
Hereditary cancer-predisposing syndrome. Also called: Neoplastic Syndromes, Hereditary; Hereditary neoplastic syndrome; Tumor predisposition; Hereditary Cancer Syndrome. Identifiers: Orphanet 140162, MedGen C0027672, MeSH D009386, MONDO:0015356.

Allele frequency attached by ClinVar (database versions not stated): gnomAD exomes 0.00001; ExAC 0.00002.
gnomAD v4.1: 4 of 1,598,840 alleles (0.00025%); highest among the groups gnomAD compares: East Asian, 0.0089%; no homozygotes.

Submissions (2):

Ambry Genetics
Classification: Uncertain significance for Hereditary cancer-predisposing syndrome. Last evaluated: 2026-01-28. Review status: criteria provided, single submitter. Criteria: Ambry Variant Classification Scheme 2023. Collection method: clinical testing. Allele origin: germline.
Comment: The c.3276-3C>G intronic variant results from a C to G substitution 3 nucleotides upstream from coding exon 27 in the POLE gene. This nucleotide position is not well conserved in available vertebrate species. In silico splice site analysis predicts that this alteration will weaken the native splice acceptor site and may result in the creation or strengthening of a novel splice acceptor site. Based on the available evidence, the clinical significance of this variant remains unclear.

Labcorp Genetics (formerly Invitae), Labcorp
Classification: Pathogenic. Last evaluated: 2025-11-22. Review status: criteria provided, single submitter. Criteria: Invitae Variant Classification Sherloc (09022015). Collection method: clinical testing. Allele origin: germline.
Comment: This sequence change falls in intron 26 of the POLE gene. It does not directly change the encoded amino acid sequence of the POLE protein. RNA analysis indicates that this variant induces altered splicing and may result in an absent or altered protein product. This variant is present in population databases (rs781306395, gnomAD 0.02%). This variant has not been reported in the literature in individuals affected with POLE-related conditions. ClinVar contains an entry for this variant (Variation ID: 576293). Variants that disrupt the consensus splice site are a relatively common cause of aberrant splicing (PMID: 17576681, 9536098). Studies have shown that this variant results in activation of a cryptic splice site, and produces a non-functional protein and/or introduces a premature termination codon (internal data). For these reasons, this variant has been classified as Pathogenic.

Literature cited by the submitters: PubMed 17576681 (cited by Labcorp Genetics (formerly Invitae), Labcorp); PubMed 9536098 (cited by Labcorp Genetics (formerly Invitae), Labcorp).

NM_006231.4(POLE):c.3276-3C>G

Gene: POLE (DNA polymerase epsilon, catalytic subunit; minus strand). Cytogenetic location: 12q24.33.
Variant type: single nucleotide variant.
Coding change: c.3276-3C>G on transcript NM_006231.4 (MANE Select); 3 bases into the intron before coding-DNA position 3276, C replaced by G.
Molecular consequence: intron variant.
Genome position (GRCh38, 1-based): chr12:132,657,973, G>C on the plus strand (C>G on the coding strand, the complement: POLE is on the minus strand). VCF-style: chr12-132657973-G-C. GRCh37 (hg19) VCF-style: chr12-133234559-G-C.
Identifiers: ClinVar variation 576293 (VCV000576293.10), dbSNP rs781306395, ClinGen allele CA6893291.